The following is an entry in ClinVar:

NM_003482.4(KMT2D):c.15446T>G (p.Phe5149Cys)

Gene: KMT2D (lysine methyltransferase 2D; minus strand). Cytogenetic location: 12q13.12.
Variant type: single nucleotide variant.
Coding change: c.15446T>G on transcript NM_003482.4 (MANE Select); coding-DNA position 15446, T replaced by G.
Protein change: p.Phe5149Cys; replaces phenylalanine 5149 with cysteine.
Molecular consequence: missense variant.
Genome position (GRCh38, 1-based): chr12:49,026,520, A>C on the plus strand (T>G on the coding strand, the complement: KMT2D is on the minus strand). VCF-style: chr12-49026520-A-C. GRCh37 (hg19) VCF-style: chr12-49420303-A-C.
Other names: short protein forms F5149C.
Identifiers: ClinVar variation 4801177 (VCV004801177.1).
Genomic context (GRCh38, chr12:49,026,520, plus strand): 5'-ATGATGCTAGCGATTTGCTTCACCTCGTCCCGCTCAATGTAGACCCGCCGGAAGACAGCA[A>C]AAGAGCTCAGCTCTTGCTCACAGGGCCCCTTGATCTTATGCATTGGACACAGCATGGTCT-3'
Protein context (NP_003473.3, residues 5139-5159): KGPCEQELSS[Phe5149Cys]AVFRRVYIER

ClinVar aggregate classification (germline): Uncertain significance (1 of 4 stars; one submission).

Conditions:
Kabuki syndrome. Also called: NIIKAWA-KUROKI SYNDROME; Kabuki make-up syndrome. Identifiers: Orphanet 2322, MedGen C0796004, MONDO:0016512.

Submission:

Labcorp Genetics (formerly Invitae), Labcorp
Classification: Uncertain significance for Kabuki syndrome. Last evaluated: 2025-11-04. Review status: criteria provided, single submitter. Criteria: Invitae Variant Classification Sherloc (09022015). Collection method: clinical testing. Allele origin: germline.
Comment: This sequence change replaces phenylalanine, which is neutral and non-polar, with cysteine, which is neutral and slightly polar, at codon 5149 of the KMT2D protein (p.Phe5149Cys). This variant is not present in population databases (gnomAD no frequency). This variant has not been reported in the literature in individuals affected with KMT2D-related conditions. Invitae Evidence Modeling of protein sequence and biophysical properties (such as structural, functional, and spatial information, amino acid conservation, physicochemical variation, residue mobility, and thermodynamic stability) has been performed for this missense variant. However, the output from this modeling did not meet the statistical confidence thresholds required to predict the impact of this variant on KMT2D protein function. In summary, the available evidence is currently insufficient to determine the role of this variant in disease. Therefore, it has been classified as a Variant of Uncertain Significance.